The following is an entry in ClinVar:

ClinVar aggregate classification (germline): Uncertain significance. Review status: criteria provided, multiple submitters, no conflicts (2 of 4 stars). 2 submissions from 2 submitters: Uncertain significance (2). Last evaluated 2024-08-21.

Allele frequency attached by ClinVar (database versions not stated): gnomAD exomes 0.00003; TOPMed 0.00003; ExAC 0.00005; gnomAD 0.00007; ESP Exome Variant Server 0.00008.
gnomAD v4.1: 61 of 1,613,684 alleles (0.0038%); highest among the groups gnomAD compares: Middle Eastern, 0.016%; no homozygotes.

Submissions (2):

Ambry Genetics
Classification: Uncertain significance. Last evaluated: 2024-08-21. Review status: criteria provided, single submitter. Criteria: Ambry Variant Classification Scheme 2023. Collection method: clinical testing. Allele origin: germline.

Labcorp Genetics (formerly Invitae), Labcorp
Classification: Uncertain significance. Last evaluated: 2024-05-29. Review status: criteria provided, single submitter. Criteria: Invitae Variant Classification Sherloc (09022015). Collection method: clinical testing. Allele origin: germline.
Comment: This sequence change replaces isoleucine, which is neutral and non-polar, with serine, which is neutral and polar, at codon 7 of the KRT74 protein (p.Ile7Ser). This variant is present in population databases (rs367918103, gnomAD 0.01%). This variant has not been reported in the literature in individuals affected with KRT74-related conditions. An algorithm developed to predict the effect of missense changes on protein structure and function (PolyPhen-2) suggests that this variant is likely to be tolerated. In summary, the available evidence is currently insufficient to determine the role of this variant in disease. Therefore, it has been classified as a Variant of Uncertain Significance.

NM_175053.4(KRT74):c.20T>G (p.Ile7Ser)

Gene: KRT74 (keratin 74; minus strand). Cytogenetic location: 12q13.13.
Variant type: single nucleotide variant.
Coding change: c.20T>G on transcript NM_175053.4 (MANE Select); coding-DNA position 20, T replaced by G.
Protein change: p.Ile7Ser; replaces isoleucine 7 with serine.
Molecular consequence: missense variant.
Genome position (GRCh38, 1-based): chr12:52,573,758, A>C on the plus strand (T>G on the coding strand, the complement: KRT74 is on the minus strand). VCF-style: chr12-52573758-A-C. GRCh37 (hg19) VCF-style: chr12-52967542-A-C.
Other names: c.20T>G (NM_175053.3); short protein forms I7S.
Identifiers: ClinVar variation 2884516 (VCV002884516.4), dbSNP rs367918103, ClinGen allele CA6584205.